The following is an entry in ClinVar:

ClinVar aggregate classification (germline): Pathogenic (1 of 4 stars; one submission).

Conditions:
D-2-hydroxyglutaric aciduria 1 (D2HGA1). Identifiers: Orphanet 79315, MedGen C3152055, MONDO:0024554, OMIM 600721.

Submission:

Labcorp Genetics (formerly Invitae), Labcorp
Classification: Pathogenic for D-2-hydroxyglutaric aciduria 1. Last evaluated: 2018-01-01. Review status: criteria provided, single submitter. Criteria: Invitae Variant Classification Sherloc (09022015). Collection method: clinical testing. Allele origin: germline.
Comment: For these reasons, this variant has been classified as Pathogenic. Loss-of-function variants in D2HGDH are known to be pathogenic (PMID: 16081310, 20020533, 21384162). This variant has been reported in combination with another D2HGDH variant in an individual affected with D-2-hydroxyglutaric aciduria (PMID: 20020533). This variant is not present in population databases (ExAC no frequency). This sequence change creates a premature translational stop signal (p.Arg215Aspfs*25) in the D2HGDH gene. It is expected to result in an absent or disrupted protein product.

Literature cited by the submitters: PubMed 16081310; PubMed 20020533; PubMed 21384162.

NM_152783.5(D2HGDH):c.642del (p.Arg215fs)

Gene: D2HGDH (D-2-hydroxyglutarate dehydrogenase; plus strand). Cytogenetic location: 2q37.3.
Variant type: Deletion.
Coding change: c.642del on transcript NM_152783.5 (MANE Select); coding-DNA position 642, one base deleted (T; older notation c.642delT).
Protein change: p.Arg215fs; shifts the reading frame from arginine 215.
Molecular consequence: frameshift variant. On other transcripts: non-coding transcript variant (1).
Genome position (GRCh38, 1-based): chr2:241,743,773, T deleted; the last of 2 consecutive T bases (chr2:241,743,772-241,743,773); deleting either gives the same sequence. VCF-style (leftmost placement, unchanged base first): chr2-241743771-CT-C. GRCh37 (hg19) VCF-style: chr2-242683186-CT-C.
Other names: c.240del, p.Arg81fs (NM_001287249.2); c.81del, p.Arg28fs (NM_001352824.2); short protein forms R215fs, R28fs, R81fs.
Identifiers: ClinVar variation 572875 (VCV000572875.7), dbSNP rs1559361049, ClinGen allele CA891843306.